The following is an entry in ClinVar:

ClinVar aggregate classification (germline): Conflicting classifications of pathogenicity. Review status: criteria provided, conflicting classifications (1 of 4 stars). 5 submissions from 5 submitters: Uncertain significance (3); Likely benign (2). Last evaluated 2025-01-09.

Conditions:
Dilated cardiomyopathy 1G (CMD1G). Identifiers: Orphanet 154, MedGen C1858763, MONDO:0011400, OMIM 604145.
Autosomal recessive limb-girdle muscular dystrophy type 2J (LGMDR10). Also called: Limb-girdle muscular dystrophy, type 2J; MUSCULAR DYSTROPHY, LIMB-GIRDLE, AUTOSOMAL RECESSIVE 10. Identifiers: Orphanet 140922, MedGen C1837342, MONDO:0012127, OMIM 608807.

Allele frequency attached by ClinVar (database versions not stated): gnomAD 0.00002; gnomAD exomes 0.00005 and 0.00012; TOPMed 0.00005; ExAC 0.00011.
gnomAD v4.1: 37 of 1,613,470 alleles (0.0023%); highest among the groups gnomAD compares: Admixed American, 0.058%; no homozygotes.

Submissions (5):

Mayo Clinic Laboratories, Mayo Clinic
Classification: Likely benign. Last evaluated: 2025-01-09. Review status: criteria provided, single submitter. Criteria: ACMG Guidelines, 2015. Collection method: clinical testing. Allele origin: germline. Observed: 1 variant allele.
Comment: BS1, BP4_moderate

Revvity Omics, Revvity
Classification: Uncertain significance. Last evaluated: 2023-05-08. Review status: criteria provided, single submitter. Criteria: ACMG Guidelines, 2015. Collection method: clinical testing. Allele origin: germline.

GeneDx
Classification: Likely benign. Last evaluated: 2021-03-15. Review status: criteria provided, single submitter. Criteria: GeneDx Variant Classification Process June 2021. Collection method: clinical testing. Allele origin: germline. Affected: yes.

Labcorp Genetics (formerly Invitae), Labcorp
Classification: Uncertain significance for Dilated cardiomyopathy 1G; Autosomal recessive limb-girdle muscular dystrophy type 2J. Last evaluated: 2017-02-20. Review status: criteria provided, single submitter. Criteria: Invitae Variant Classification Sherloc (09022015). Collection method: clinical testing. Allele origin: germline.

Eurofins Ntd Llc (ga)
Classification: Uncertain significance. Last evaluated: 2016-07-08. Review status: criteria provided, single submitter. Criteria: EGL Classification Definitions 2015. Collection method: clinical testing. Allele origin: germline. Observed: 1 variant allele, 1 heterozygote.

NM_001267550.2(TTN):c.27592C>G (p.Gln9198Glu)

Gene: TTN (titin; minus strand). Cytogenetic location: 2q31.2.
Variant type: single nucleotide variant.
Coding change: c.27592C>G on transcript NM_001267550.2 (MANE Select); coding-DNA position 27592, C replaced by G.
Protein change: p.Gln9198Glu; replaces glutamine 9198 with glutamic acid.
Molecular consequence: missense variant. On other transcripts: intron variant (3).
Genome position (GRCh38, 1-based): chr2:178,712,330, G>C on the plus strand (C>G on the coding strand, the complement: TTN is on the minus strand). VCF-style: chr2-178712330-G-C. GRCh37 (hg19) VCF-style: chr2-179577057-G-C.
Other names: p.Gln8881Glu; c.26641C>G, p.Gln8881Glu (NM_001256850.1); c.23860C>G, p.Gln7954Glu (NM_133378.4); c.13282+25752C>G (NM_003319.4); c.13858+25752C>G (NM_133437.4); c.13657+25752C>G (NM_133432.3); short protein forms Q9198E, Q7954E, Q8881E.
Identifiers: ClinVar variation 288760 (VCV000288760.13), dbSNP rs72648995, ClinGen allele CA1999779.